The following is an entry in ClinVar:

NM_006231.4(POLE):c.2005T>C (p.Trp669Arg)

Gene: POLE (DNA polymerase epsilon, catalytic subunit; minus strand). Cytogenetic location: 12q24.33.
Variant type: single nucleotide variant.
Coding change: c.2005T>C on transcript NM_006231.4 (MANE Select); coding-DNA position 2005, T replaced by C.
Protein change: p.Trp669Arg; replaces tryptophan 669 with arginine.
Molecular consequence: missense variant.
Genome position (GRCh38, 1-based): chr12:132,668,656, A>G on the plus strand (T>C on the coding strand, the complement: POLE is on the minus strand). VCF-style: chr12-132668656-A-G. GRCh37 (hg19) VCF-style: chr12-133245242-A-G.
Other names: short protein forms W669R.
Identifiers: ClinVar variation 1784314 (VCV001784314.2), dbSNP rs2542101565, ClinGen allele CA387354748.

ClinVar aggregate classification (germline): Uncertain significance (1 of 4 stars; one submission).

Conditions:
Hereditary cancer-predisposing syndrome. Also called: Neoplastic Syndromes, Hereditary; Tumor predisposition; Hereditary Cancer Syndrome; Hereditary neoplastic syndrome. Identifiers: Orphanet 140162, MedGen C0027672, MeSH D009386, MONDO:0015356.

Submission:

Ambry Genetics
Classification: Uncertain significance for Hereditary cancer-predisposing syndrome. Last evaluated: 2021-06-22. Review status: criteria provided, single submitter. Criteria: Ambry Variant Classification Scheme 2023. Collection method: clinical testing. Allele origin: germline.
Comment: The p.W669R variant (also known as c.2005T>C), located in coding exon 18 of the POLE gene, results from a T to C substitution at nucleotide position 2005. The tryptophan at codon 669 is replaced by arginine, an amino acid with dissimilar properties. This amino acid position is conserved. In addition, this alteration is predicted to be deleterious by in silico analysis. Since supporting evidence is limited at this time, the clinical significance of this alteration remains unclear.